The following is an entry in ClinVar:

NM_004586.3(RPS6KA3):c.612_614del (p.Glu204_Gly205delinsAsp)

Gene: RPS6KA3 (ribosomal protein S6 kinase A3; minus strand). Cytogenetic location: Xp22.12.
Variant type: Deletion.
Coding change: c.612_614del on transcript NM_004586.3 (MANE Select); coding-DNA positions 612 to 614, 3 bases deleted (AGG; older notation c.612_614delAGG).
Protein change: p.Glu204_Gly205delinsAsp.
Molecular consequence: inframe indel.
Genome position (GRCh38, 1-based): chrX:20,188,514-20,188,516, CCT deleted on the plus strand (AGG on the coding strand, the reverse complement: RPS6KA3 is on the minus strand). VCF-style (leftmost placement, unchanged base first): chrX-20188513-ACCT-A. GRCh37 (hg19) VCF-style: chrX-20206631-ACCT-A.
Identifiers: ClinVar variation 1342097 (VCV001342097.2), dbSNP rs2148688172, ClinGen allele CA2573055203.

ClinVar aggregate classification (germline): Likely pathogenic (1 of 4 stars; one submission).

Submission:

GeneDx
Classification: Likely pathogenic. Last evaluated: 2022-02-16. Review status: criteria provided, single submitter. Criteria: GeneDx Variant Classification Process June 2021. Collection method: clinical testing. Allele origin: germline. Affected: yes.
Comment: Not observed at significant frequency in large population cohorts (gnomAD); In-frame deletion of 2 amino acids and insertion of a different amino acid in a non-repeat region; In silico analysis supports a deleterious effect on protein structure/function; Has not been previously published as pathogenic or benign to our knowledge